The following is an entry in ClinVar:

ClinVar aggregate classification (germline): Uncertain significance. Review status: criteria provided, multiple submitters, no conflicts (2 of 4 stars). 2 submissions from 2 submitters: Uncertain significance (2). Last evaluated 2024-11-12.

Conditions:
Hereditary cancer-predisposing syndrome. Also called: Tumor predisposition; Neoplastic Syndromes, Hereditary; Hereditary Cancer Syndrome; Hereditary neoplastic syndrome. Identifiers: Orphanet 140162, MedGen C0027672, MeSH D009386, MONDO:0015356.
Ataxia-telangiectasia syndrome (AT). Also called: ATAXIA-TELANGIECTASIA, COMPLEMENTATION GROUP A; ATAXIA-TELANGIECTASIA, FRESNO VARIANT; Ataxia-telangiectasia; Ataxia-telangiectasia, complementation group D; AT, COMPLEMENTATION GROUP C; Ataxia-telangiectasia, complementation group E. Identifiers: Orphanet 100, MedGen C0004135, MONDO:0008840, OMIM 208900.

Submissions (2):

Labcorp Genetics (formerly Invitae), Labcorp
Classification: Uncertain significance for Ataxia-telangiectasia syndrome. Last evaluated: 2024-11-12. Review status: criteria provided, single submitter. Criteria: Invitae Variant Classification Sherloc (09022015). Collection method: clinical testing. Allele origin: germline.
Comment: This sequence change replaces arginine, which is basic and polar, with glycine, which is neutral and non-polar, at codon 2741 of the ATM protein (p.Arg2741Gly). This variant is not present in population databases (gnomAD no frequency). This variant has not been reported in the literature in individuals affected with ATM-related conditions. ClinVar contains an entry for this variant (Variation ID: 827520). Invitae Evidence Modeling of protein sequence and biophysical properties (such as structural, functional, and spatial information, amino acid conservation, physicochemical variation, residue mobility, and thermodynamic stability) indicates that this missense variant is not expected to disrupt ATM protein function with a negative predictive value of 95%. In summary, the available evidence is currently insufficient to determine the role of this variant in disease. Therefore, it has been classified as a Variant of Uncertain Significance.

Ambry Genetics
Classification: Uncertain significance for Hereditary cancer-predisposing syndrome. Last evaluated: 2024-02-26. Review status: criteria provided, single submitter. Criteria: Ambry Variant Classification Scheme 2023. Collection method: clinical testing. Allele origin: germline.
Comment: The p.R2741G variant (also known as c.8221A>G), located in coding exon 55 of the ATM gene, results from an A to G substitution at nucleotide position 8221. The arginine at codon 2741 is replaced by glycine, an amino acid with dissimilar properties. This amino acid position is well conserved in available vertebrate species. In addition, this alteration is predicted to be tolerated by in silico analysis. Since supporting evidence is limited at this time, the clinical significance of this alteration remains unclear.

NM_000051.4(ATM):c.8221A>G (p.Arg2741Gly)

Genes: ATM (ATM serine/threonine kinase; plus strand), C11orf65 (chromosome 11 open reading frame 65; minus strand). Cytogenetic location: 11q22.3.
Variant type: single nucleotide variant.
Coding change: c.8221A>G on transcript NM_000051.4 (MANE Select); coding-DNA position 8221, A replaced by G.
Protein change: p.Arg2741Gly; replaces arginine 2741 with glycine.
Molecular consequence: missense variant. On other transcripts: intron variant (2).
Genome position (GRCh38, 1-based): chr11:108,335,914, A>G. VCF-style: chr11-108335914-A-G. GRCh37 (hg19) VCF-style: chr11-108206641-A-G.
Other names: c.8221A>G, p.Arg2741Gly (NM_001351834.2); c.641-26843T>C (NM_001330368.2); c.695-622T>C (NM_001351110.2); short protein forms R2741G.
Identifiers: ClinVar variation 827520 (VCV000827520.8), dbSNP rs1591198932, ClinGen allele CA382562604.
Genomic context (GRCh38, chr11:108,335,914, plus strand): 5'-GACCTGAGACAAGATGCTGTCATGCAACAGGTCTTCCAGATGTGTAATACATTACTGCAG[A>G]GAAACACGGAAACTAGGAAGAGGAAATTAACTATCTGTACTTATAAGGTAACTATTTGTA-3'
Protein context (NP_000042.3, residues 2731-2751): VFQMCNTLLQ[Arg2741Gly]NTETRKRKLT